The following is an entry in ClinVar:

ClinVar aggregate classification (germline): Likely benign. Review status: criteria provided, multiple submitters, no conflicts (2 of 4 stars). 2 submissions from 2 submitters: Likely benign (2). Last evaluated 2025-02-17.

Conditions:
TWNK-related disorder. Also called: TWNK-related condition.

Allele frequency attached by ClinVar (database versions not stated): TOPMed 0.00009.
gnomAD v4.1: 13 of 1,613,208 alleles (0.00081%); highest among the groups gnomAD compares: Admixed American, 0.0067%; no homozygotes.

Submissions (2):

PreventionGenetics, part of Exact Sciences
Classification: Likely benign for TWNK-related condition. Last evaluated: 2025-02-17. Review status: criteria provided, single submitter. Criteria: ACMG Guidelines, 2015. Collection method: clinical testing. Allele origin: germline.
Comment: This variant is classified as likely benign based on ACMG/AMP sequence variant interpretation guidelines (Richards et al. 2015 PMID: 25741868, with internal and published modifications).

Labcorp Genetics (formerly Invitae), Labcorp
Classification: Likely benign. Last evaluated: 2024-03-15. Review status: criteria provided, single submitter. Criteria: Invitae Variant Classification Sherloc (09022015). Collection method: clinical testing. Allele origin: germline.

NM_021830.5(TWNK):c.967C>A (p.Arg323=)

Gene: TWNK (twinkle mtDNA helicase; plus strand). Cytogenetic location: 10q24.31.
Variant type: single nucleotide variant.
Coding change: c.967C>A on transcript NM_021830.5 (MANE Select); coding-DNA position 967, C replaced by A.
Protein change: p.Arg323=; no amino-acid change (arginine 323 retained).
Molecular consequence: synonymous variant. On other transcripts: non-coding transcript variant (4), intron variant (3).
Genome position (GRCh38, 1-based): chr10:100,989,177, C>A. VCF-style: chr10-100989177-C-A. GRCh37 (hg19) VCF-style: chr10-102748934-C-A.
Other names: c.967C>A, p.Arg323= (NM_001163812.2); c.-119-467C>A (NM_001163814.2, NM_001163813.2); c.-57-529C>A (NM_001368275.1); c.967C>A (NM_021830.4).
Identifiers: ClinVar variation 2081034 (VCV002081034.5), dbSNP rs863223919, ClinGen allele CA212963129.